The following is an entry in ClinVar:

NM_007294.4(BRCA1):c.1214C>T (p.Ser405Leu)

Gene: BRCA1 (BRCA1 DNA repair associated; minus strand). Cytogenetic location: 17q21.31.
Variant type: single nucleotide variant.
Coding change: c.1214C>T on transcript NM_007294.4 (MANE Select); coding-DNA position 1214, C replaced by T.
Protein change: p.Ser405Leu; replaces serine 405 with leucine.
Molecular consequence: missense variant. On other transcripts: intron variant (137).
Genome position (GRCh38, 1-based): chr17:43,094,317, G>A on the plus strand (C>T on the coding strand, the complement: BRCA1 is on the minus strand). VCF-style: chr17-43094317-G-A. GRCh37 (hg19) VCF-style: chr17-41246334-G-A.
Other names: c.1001C>T, p.Ser334Leu (NM_001407571.1, NM_001407853.1, NM_001407894.1 and 9 more transcripts); c.1214C>T, p.Ser405Leu (NM_001407581.1, NM_001407582.1, NM_001407583.1 and 30 more transcripts); c.1211C>T, p.Ser404Leu (NM_001407587.1, NM_001407590.1, NM_001407591.1 and 22 more transcripts); c.1205C>T, p.Ser402Leu (NM_001407646.1, NM_001407647.1); c.1091C>T, p.Ser364Leu (NM_001407648.1, NM_001407664.1, NM_001407665.1 and 19 more transcripts); c.1088C>T, p.Ser363Leu (NM_001407649.1, NM_001407670.1, NM_001407671.1 and 11 more transcripts); c.1136C>T, p.Ser379Leu (NM_001407653.1, NM_001407654.1, NM_001407655.1 and 4 more transcripts); c.1133C>T, p.Ser378Leu (NM_001407659.1, NM_001407660.1, NM_001407661.1 and 1 more transcripts); and 40 more; short protein forms S277L, S364L, S404L, S405L, S109L, S335L, S337L, S358L.
Identifiers: ClinVar variation 2066182 (VCV002066182.8), dbSNP rs80357481, ClinGen allele CA10599622.

ClinVar aggregate classification (germline): Conflicting classifications of pathogenicity. Review status: criteria provided, conflicting classifications (1 of 4 stars). 3 submissions from 3 submitters: Uncertain significance (2); Likely benign (1). Last evaluated 2023-03-31.

Conditions:
Hereditary breast ovarian cancer syndrome. Also called: Hereditary breast and ovarian cancer; Hereditary breast and/or ovarian cancer syndrome; Hereditary breast and ovarian cancer syndrome; Hereditary breast and ovarian cancer syndrome (HBOC); Breast and ovarian cancer; BRCA1- and BRCA2-Associated Hereditary Breast and Ovarian Cancer. Identifiers: Orphanet 145, MedGen C0677776, MeSH D061325, MONDO:0003582. Disease mechanism: loss of function.
Hereditary cancer-predisposing syndrome. Also called: Tumor predisposition; Hereditary neoplastic syndrome; Neoplastic Syndromes, Hereditary; Hereditary Cancer Syndrome. Identifiers: Orphanet 140162, MedGen C0027672, MeSH D009386, MONDO:0015356.

Submissions (3):

Labcorp Genetics (formerly Invitae), Labcorp
Classification: Uncertain significance for Hereditary breast ovarian cancer syndrome. Last evaluated: 2023-03-31. Review status: criteria provided, single submitter. Criteria: Invitae Variant Classification Sherloc (09022015). Collection method: clinical testing. Allele origin: germline.
Comment: In summary, the available evidence is currently insufficient to determine the role of this variant in disease. Therefore, it has been classified as a Variant of Uncertain Significance. This sequence change replaces serine, which is neutral and polar, with leucine, which is neutral and non-polar, at codon 405 of the BRCA1 protein (p.Ser405Leu). This variant is not present in population databases (gnomAD no frequency). This variant has not been reported in the literature in individuals affected with BRCA1-related conditions. ClinVar contains an entry for this variant (Variation ID: 2066182). Advanced modeling of protein sequence and biophysical properties (such as structural, functional, and spatial information, amino acid conservation, physicochemical variation, residue mobility, and thermodynamic stability) performed at Invitae indicates that this missense variant is not expected to disrupt BRCA1 protein function.

University of Washington Department of Laboratory Medicine, University of Washington
Classification: Likely benign for Hereditary cancer-predisposing syndrome. Last evaluated: 2023-03-23. Review status: criteria provided, single submitter. Criteria: Dines et al. (Genet Med. 2020). Collection method: curation. Allele origin: germline.
Comment: Missense variant in a coldspot region where missense variants are very unlikely to be pathogenic (PMID:31911673).

BRCA1 coldspot (exon 11 using historical exon numbering). Reclassification based on statistical prior probability

Color Diagnostics, LLC DBA Color Health
Classification: Uncertain significance for Hereditary cancer-predisposing syndrome. Last evaluated: 2021-09-30. Review status: criteria provided, single submitter. Criteria: ACMG Guidelines, 2015. Collection method: clinical testing. Allele origin: germline.
Comment: This missense variant replaces serine with leucine at codon 405 of the BRCA1 protein. Computational prediction is inconclusive regarding the impact of this variant on protein structure and function (internally defined REVEL score threshold 0.5 < inconclusive < 0.7, PMID: 27666373). To our knowledge, functional studies have not been reported for this variant. This variant has not been reported in individuals affected with hereditary cancer in the literature. This variant has not been identified in the general population by the Genome Aggregation Database (gnomAD). The available evidence is insufficient to determine the role of this variant in disease conclusively. Therefore, this variant is classified as a Variant of Uncertain Significance.